The following is an entry in ClinVar:

NM_000179.3(MSH6):c.896A>T (p.Lys299Met)

Gene: MSH6 (mutS homolog 6; plus strand). Cytogenetic location: 2p16.3.
Variant type: single nucleotide variant.
Coding change: c.896A>T on transcript NM_000179.3 (MANE Select); coding-DNA position 896, A replaced by T.
Protein change: p.Lys299Met; replaces lysine 299 with methionine.
Molecular consequence: missense variant. On other transcripts: 5 prime UTR variant (2).
Genome position (GRCh38, 1-based): chr2:47,798,879, A>T. VCF-style: chr2-47798879-A-T. GRCh37 (hg19) VCF-style: chr2-48026018-A-T.
Other names: c.506A>T, p.Lys169Met (NM_001281492.2); c.-11A>T (NM_001281493.2, NM_001281494.2, NM_001406811.1 and 6 more transcripts); c.992A>T, p.Lys331Met (NM_001406795.1, NM_001406802.1); c.896A>T, p.Lys299Met (NM_001406796.1, NM_001406798.1, NM_001406800.1 and 4 more transcripts); c.599A>T, p.Lys200Met (NM_001406797.1, NM_001406801.1, NM_001406805.1 and 10 more transcripts); c.371A>T, p.Lys124Met (NM_001406799.1, NM_001406806.1, NM_001406807.1); c.818A>T, p.Lys273Met (NM_001406804.1); c.902A>T, p.Lys301Met (NM_001406813.1); and 1 more; short protein forms K169M, K243M, K273M, K301M, K124M, K200M, K299M, K331M.
Identifiers: ClinVar variation 2099257 (VCV002099257.4), dbSNP rs1669267784, ClinGen allele CA346740696.

ClinVar aggregate classification (germline): Uncertain significance (1 of 4 stars; one submission).

Conditions:
Hereditary nonpolyposis colorectal neoplasms. Identifiers: MedGen C0009405, MeSH D003123.

Submission:

Labcorp Genetics (formerly Invitae), Labcorp
Classification: Uncertain significance for Hereditary nonpolyposis colorectal neoplasms. Last evaluated: 2022-02-19. Review status: criteria provided, single submitter. Criteria: Invitae Variant Classification Sherloc (09022015). Collection method: clinical testing. Allele origin: germline.
Comment: This variant has not been reported in the literature in individuals affected with MSH6-related conditions. Algorithms developed to predict the effect of missense changes on protein structure and function are either unavailable or do not agree on the potential impact of this missense change (SIFT: "Deleterious"; PolyPhen-2: "Probably Damaging"; Align-GVGD: "Class C15"). In summary, the available evidence is currently insufficient to determine the role of this variant in disease. Therefore, it has been classified as a Variant of Uncertain Significance. This variant is not present in population databases (gnomAD no frequency). This sequence change replaces lysine, which is basic and polar, with methionine, which is neutral and non-polar, at codon 299 of the MSH6 protein (p.Lys299Met).